The following is an entry in ClinVar:

ClinVar aggregate classification (germline): Uncertain significance (1 of 4 stars; one submission).

Conditions:
Charcot-Marie-Tooth disease type 2. Also called: Charcot-Marie-Tooth type 2. Identifiers: Orphanet 64746, MedGen C0270914, MONDO:0018993.

Submission:

Labcorp Genetics (formerly Invitae), Labcorp
Classification: Uncertain significance for Charcot-Marie-Tooth disease type 2. Last evaluated: 2022-06-21. Review status: criteria provided, single submitter. Criteria: Invitae Variant Classification Sherloc (09022015). Collection method: clinical testing. Allele origin: germline.
Comment: This variant results in a copy number gain of the genomic region encompassing exon(s) 42 of the KIF1B gene. While the exact position of this variant cannot be determined from the data, sub-genic copy number gains are generally in tandem (PMID: 25640679). This variant is predicted to be in-frame, and likely preserves the integrity of the reading frame. This variant has not been reported in the literature in individuals affected with KIF1B-related conditions. Experimental studies and prediction algorithms are not available or were not evaluated, and the functional significance of this variant is currently unknown. In summary, the available evidence is currently insufficient to determine the role of this variant in disease. Therefore, it has been classified as a Variant of Uncertain Significance.

Literature cited by the submitters: PubMed 25640679.

NC_000001.10:g.(?_10428505)_(10428616_?)dup

Gene: KIF1B (kinesin family member 1B; plus strand). Cytogenetic location: 1p36.22.
Variant type: Duplication.
Identifiers: ClinVar variation 2426062 (VCV002426062.3).